The following is an entry in ClinVar:

NM_020765.3(UBR4):c.2678G>A (p.Ser893Asn)

Gene: UBR4 (ubiquitin protein ligase E3 component n-recognin 4; minus strand). Cytogenetic location: 1p36.13.
Variant type: single nucleotide variant.
Coding change: c.2678G>A on transcript NM_020765.3 (MANE Select); coding-DNA position 2678, G replaced by A.
Protein change: p.Ser893Asn; replaces serine 893 with asparagine.
Molecular consequence: missense variant.
Genome position (GRCh38, 1-based): chr1:19,176,687, C>T on the plus strand (G>A on the coding strand, the complement: UBR4 is on the minus strand). VCF-style: chr1-19176687-C-T. GRCh37 (hg19) VCF-style: chr1-19503181-C-T.
Other names: short protein forms S893N.
Identifiers: ClinVar variation 786456 (VCV000786456.30), dbSNP rs111984259, ClinGen allele CA651351.
Genomic context (GRCh38, chr1:19,176,687, plus strand): 5'-TCTTTGAATCCATGATAGAGAGGAGTGGTTGCCCGGCGGCTGTTGCTGTCCTGGGATCCA[C>T]TTGCCCACCCAAAGGGAGGACTTAGCAGGTTATGCTGTACCTTTTAAAACACAAATACTG-3'
Protein context (NP_065816.2, residues 883-903): NLLSPPFGWA[Ser893Asn]GSQDSNSRRA

ClinVar aggregate classification (germline): Benign. Review status: criteria provided, multiple submitters, no conflicts (2 of 4 stars). 4 submissions from 4 submitters: Benign (3). 1 of the submissions does not count toward it. Last evaluated 2022-05-01.

Conditions:
UBR4-related disorder. Also called: UBR4-related condition.

Allele frequency attached by ClinVar (database versions not stated): gnomAD exomes 0.00247; ExAC 0.00267; ESP Exome Variant Server 0.00415; gnomAD 0.00424 and 0.00430; TOPMed 0.00488; 1000 Genomes Project 0.00819; 1000 Genomes Project 30x 0.00843.
gnomAD v4.1: 2,518 of 1,614,088 alleles (0.16%); highest among the groups gnomAD compares: African/African-American, 1.3%; 23 homozygotes.

Submissions (4):

CeGaT Center for Human Genetics Tuebingen
Classification: Benign. Last evaluated: 2022-05-01. Review status: criteria provided, single submitter. Criteria: CeGaT Center For Human Genetics Tuebingen Variant Classification Criteria Version 2. Collection method: clinical testing. Allele origin: germline. Affected: yes. Observed: 1 variant allele.
Comment: UBR4: BS1, BS2

Labcorp Genetics (formerly Invitae), Labcorp
Classification: Benign. Last evaluated: 2019-12-31. Review status: criteria provided, single submitter. Criteria: Invitae Variant Classification Sherloc (09022015). Collection method: clinical testing. Allele origin: germline.

Breakthrough Genomics
Classification: Benign. Review status: criteria provided, single submitter. Criteria: ACMG Guidelines, 2015. Collection method: not provided. Allele origin: germline. Inheritance: Unknown mechanism. Affected: yes.

PreventionGenetics, part of Exact Sciences
Classification: Benign for UBR4-related condition. Last evaluated: 2019-02-22. Review status: no assertion criteria provided. Collection method: clinical testing. Allele origin: germline. Not counted in ClinVar's aggregate classification.
Comment: This variant is classified as benign based on ACMG/AMP sequence variant interpretation guidelines (Richards et al. 2015 PMID: 25741868, with internal and published modifications).